The following is an entry in ClinVar:

NM_025103.4(IFT74):c.343C>T (p.Leu115Phe)

Gene: IFT74 (intraflagellar transport 74; plus strand). Cytogenetic location: 9p21.2.
Variant type: single nucleotide variant.
Coding change: c.343C>T on transcript NM_025103.4 (MANE Select); coding-DNA position 343, C replaced by T.
Protein change: p.Leu115Phe; replaces leucine 115 with phenylalanine.
Molecular consequence: missense variant.
Genome position (GRCh38, 1-based): chr9:26,984,294, C>T. VCF-style: chr9-26984294-C-T. GRCh37 (hg19) VCF-style: chr9-26984292-C-T.
Other names: c.343C>T, p.Leu115Phe (NM_001099222.3, NM_001099223.3, NM_001099224.3 and 1 more transcripts); short protein forms L115F.
Identifiers: ClinVar variation 4994874 (VCV004994874.1).

ClinVar aggregate classification (germline): Uncertain significance (1 of 4 stars; one submission).

Conditions:
IFT74-related disorder. Also called: IFT74-Related Disorders; IFT74-related condition.

Submission:

PreventionGenetics, part of Exact Sciences
Classification: Uncertain significance for IFT74-related condition. Last evaluated: 2026-09-21. Review status: criteria provided, single submitter. Criteria: ACMG Guidelines, 2015. Collection method: clinical testing. Allele origin: germline.
Comment: The IFT74 c.343C>T variant is predicted to result in the amino acid substitution p.Leu115Phe. To our knowledge, this variant has not been reported in the literature or in a large population database (gnomAD), indicating this variant is rare. At this time, the clinical significance of this variant is uncertain due to the absence of conclusive functional and genetic evidence.